The following is an entry in ClinVar:

NM_030973.4(MED25):c.2T>G (p.Met1Arg)

Gene: MED25 (mediator complex subunit 25; plus strand). Cytogenetic location: 19q13.33.
Variant type: single nucleotide variant.
Coding change: c.2T>G on transcript NM_030973.4 (MANE Select); coding-DNA position 2, T replaced by G.
Protein change: p.Met1Arg; changes the start codon (methionine 1).
Molecular consequence: missense variant, initiator codon variant.
Genome position (GRCh38, 1-based): chr19:49,818,343, T>G. VCF-style: chr19-49818343-T-G. GRCh37 (hg19) VCF-style: chr19-50321600-T-G.
Other names: c.2T>G, p.Met1Arg (NM_001378355.1); short protein forms M1R.
Identifiers: ClinVar variation 3063666 (VCV003063666.1), dbSNP rs2514495299, ClinGen allele CA406908141.

ClinVar aggregate classification (germline): Likely pathogenic (1 of 4 stars; one submission).

Conditions:
Congenital cataract-microcephaly-nevus flammeus simplex-severe intellectual disability syndrome. Also called: Basel-Vanagaite-Smirin-Yosef syndrome. Identifiers: Orphanet 464738, MedGen C4225323, MONDO:0014643, OMIM 616449.

Submission:

Women's Health and Genetics/Laboratory Corporation of America, LabCorp
Classification: Likely pathogenic for Congenital cataract-microcephaly-nevus flammeus simplex-severe intellectual disability syndrome. Last evaluated: 2024-01-24. Review status: criteria provided, single submitter. Criteria: LabCorp Variant Classification Summary - May 2015. Collection method: clinical testing. Allele origin: germline.
Comment: Variant summary: MED25 c.2T>G (p.Met1Arg) alters the initiation codon and is predicted to result either in absence of the protein or truncation of the encoded protein due to translation initiation at a downstream codon. A rare, homozygous missense variant p.Tyr39Cys, upstream of the next downstream in-frame Met104, has been reported in at-least 4 families with Basel-Vanagait-Smirin-Yosef syndrome, and segregated with disease; subsequent functional study found p.Tyr39Cys impaired MED25 interaction with the Mediator complex in mammalian cells (PMID: 25792360, ClinVar ID 203445). The current variant was absent in 203948 control chromosomes. To our knowledge, no occurrence of c.2T>G in individuals affected with Congenital Cataract-Microcephaly Flammeus Simplex-Severe Intellectual Disability Syndrome and no experimental evidence demonstrating its impact on protein function have been reported. No submitters have cited clinical-significance assessments for this variant to ClinVar. Based on the evidence outlined above, the variant was classified as likely pathogenic.